The following is an entry in ClinVar:

ClinVar aggregate classification (germline): Benign/Likely benign. Review status: criteria provided, multiple submitters, no conflicts (2 of 4 stars). 7 submissions from 7 submitters: Benign (4); Likely benign (3). Last evaluated 2026-01-27.

Conditions:
Xanthinuria type II. Also called: Xanthine dehydrogenase and aldehyde oxidase combined deficiency of; XDH and AOX dual deficiency. Identifiers: Orphanet 3467, Orphanet 93602, MedGen C1863688, MONDO:0011346, OMIM 603592.
Hereditary xanthinuria type 1 (XAN1). Identifiers: Orphanet 3467, Orphanet 93601, MedGen C0268118, MONDO:0010209, OMIM 278300.

Allele frequency attached by ClinVar (database versions not stated): ESP Exome Variant Server 0.02291; gnomAD 0.02328 and 0.02525; TOPMed 0.02407; gnomAD exomes 0.02784 and 0.02871; ExAC 0.02949; 1000 Genomes Project 30x 0.03919; 1000 Genomes Project 0.04034.
gnomAD v4.1: 44,743 of 1,614,034 alleles (2.8%); highest among the groups gnomAD compares: East Asian, 5.8%; 805 homozygotes.

Submissions (7):

Labcorp Genetics (formerly Invitae), Labcorp
Classification: Benign for Xanthinuria type II. Last evaluated: 2026-01-27. Review status: criteria provided, single submitter. Criteria: Invitae Variant Classification Sherloc (09022015). Collection method: clinical testing. Allele origin: germline.

Blueprint Genetics
Classification: Likely benign. Last evaluated: 2024-11-26. Review status: criteria provided, single submitter. Criteria: ACMG Guidelines, 2015. Collection method: clinical testing. Allele origin: germline.

Mayo Clinic Laboratories, Mayo Clinic
Classification: Benign. Last evaluated: 2022-09-23. Review status: criteria provided, single submitter. Criteria: ACMG Guidelines, 2015. Collection method: clinical testing. Allele origin: germline. Observed: 11 variant alleles.
Comment: BA1

Genome-Nilou Lab
Classification: Benign for Hereditary xanthinuria type 1. Last evaluated: 2021-12-05. Review status: criteria provided, single submitter. Criteria: ACMG Guidelines, 2015. Collection method: clinical testing. Allele origin: germline. Affected: no.

GeneDx
Classification: Benign. Last evaluated: 2020-01-11. Review status: criteria provided, single submitter. Criteria: GeneDx Variant Classification Process June 2021. Collection method: clinical testing. Allele origin: germline. Affected: yes.
Comment: This variant is associated with the following publications: (PMID: 27703193, 27884173, 18712049, 20981092)

Illumina Laboratory Services, Illumina
Classification: Likely benign for Hereditary xanthinuria type 1. Last evaluated: 2017-04-27. Review status: criteria provided, single submitter. Criteria: ICSL Variant Classification Criteria 13 December 2019. Collection method: clinical testing. Allele origin: germline.
Comment: This variant was observed as part of a predisposition screen in an ostensibly healthy population. A literature search was performed for the gene, cDNA change, and amino acid change (where applicable). Publications were found based on this search. The evidence from the literature, in combination with allele frequency data from public databases where available, was sufficient to determine this variant is unlikely to cause disease. Therefore, this variant is classified as likely benign.

Breakthrough Genomics
Classification: Likely benign. Review status: criteria provided, single submitter. Criteria: ACMG Guidelines, 2015. Collection method: not provided. Allele origin: germline. Inheritance: Autosomal recessive inheritance. Affected: yes.

Literature cited by the submitters: PubMed 18300946 (cited by Illumina Laboratory Services, Illumina); PubMed 18712049 (cited by Illumina Laboratory Services, Illumina).

NM_000379.4(XDH):c.514G>A (p.Gly172Arg)

Gene: XDH (xanthine dehydrogenase; minus strand). Cytogenetic location: 2p23.1.
Variant type: single nucleotide variant.
Coding change: c.514G>A on transcript NM_000379.4 (MANE Select); coding-DNA position 514, G replaced by A.
Protein change: p.Gly172Arg; replaces glycine 172 with arginine.
Molecular consequence: missense variant.
Genome position (GRCh38, 1-based): chr2:31,388,277, C>T on the plus strand (G>A on the coding strand, the complement: XDH is on the minus strand). VCF-style: chr2-31388277-C-T. GRCh37 (hg19) VCF-style: chr2-31611143-C-T.
Other names: short protein forms G172R.
Identifiers: ClinVar variation 335799 (VCV000335799.19), dbSNP rs45523133, ClinGen allele CA1599594.